The following is an entry in ClinVar:

ClinVar aggregate classification (germline): Benign (1 of 4 stars; one submission).

Conditions:
Thyroid hormone resistance, generalized, autosomal dominant (GRTHD). Also called: HYPERTHYROXINEMIA, FAMILIAL EUTHYROID, SECONDARY TO PITUITARY AND PERIPHERAL RESISTANCE TO THYROID HORMONES. Identifiers: MedGen C2937288, MONDO:0008569, OMIM 188570.

Allele frequency attached by ClinVar (database versions not stated): gnomAD 0.00001 and 0.00013; TOPMed 0.00003; 1000 Genomes Project 30x 0.00078; 1000 Genomes Project 0.00100.

Submission:

Illumina Laboratory Services, Illumina
Classification: Benign for Thyroid hormone resistance, generalized, autosomal dominant. Last evaluated: 2018-01-13. Review status: criteria provided, single submitter. Criteria: ICSL Variant Classification Criteria 13 December 2019. Collection method: clinical testing. Allele origin: germline.
Comment: This variant was observed in the ICSL laboratory as part of a predisposition screen in an ostensibly healthy population. It had not been previously curated by ICSL or reported in the Human Gene Mutation Database (HGMD: prior to June 1st, 2018), and was therefore a candidate for classification through an automated scoring system. Utilizing variant allele frequency, disease prevalence and penetrance estimates, and inheritance mode, an automated score was calculated to assess if this variant is too frequent to cause the disease. Based on the score and internal cut-off values, a variant classified as benign is not then subjected to further curation. The score for this variant resulted in a classification of benign for this disease.

NM_001354712.2(THRB):c.*2516A>G

Gene: THRB (thyroid hormone receptor beta; minus strand). Cytogenetic location: 3p24.2.
Variant type: single nucleotide variant.
Coding change: c.*2516A>G on transcript NM_001354712.2 (MANE Select); 2516 bases downstream of the stop codon, A replaced by G.
Molecular consequence: 3 prime UTR variant.
Genome position (GRCh38, 1-based): chr3:24,120,368, T>C on the plus strand (A>G on the coding strand, the complement: THRB is on the minus strand). VCF-style: chr3-24120368-T-C. GRCh37 (hg19) VCF-style: chr3-24161859-T-C.
Other names: c.*2516A>G (NM_000461.5, NM_001128176.3, NM_001128177.2 and 8 more transcripts).
Identifiers: ClinVar variation 344591 (VCV000344591.5), dbSNP rs375476690, ClinGen allele CA10618353.
Genomic context (GRCh38, chr3:24,120,368, plus strand): 5'-TCAATCATTTAAGGTGCCAAGGATCAAACGTTCCTTTACTTGCGGCTGGCTGGATGGCTG[T>C]TTATATGCCATACTATTTGGCCAATTCTCGATCATGGTTAGTCCCCAAAGCATTCTGATT-3'